The following is an entry in ClinVar:

NM_016507.4(CDK12):c.1449G>T (p.Leu483Phe)

Gene: CDK12 (cyclin dependent kinase 12; plus strand). Cytogenetic location: 17q12.
Variant type: single nucleotide variant.
Coding change: c.1449G>T on transcript NM_016507.4 (MANE Select); coding-DNA position 1449, G replaced by T.
Protein change: p.Leu483Phe; replaces leucine 483 with phenylalanine.
Molecular consequence: missense variant.
Genome position (GRCh38, 1-based): chr17:39,471,281, G>T. VCF-style: chr17-39471281-G-T. GRCh37 (hg19) VCF-style: chr17-37627534-G-T.
Other names: c.1449G>T, p.Leu483Phe (NM_015083.4); short protein forms L483F.
Identifiers: ClinVar variation 3830544 (VCV003830544.1).
Genomic context (GRCh38, chr17:39,471,281, plus strand): 5'-GAATGTAACACATCTAAACACAGAGGTAAAAAATTCTTCAGATACAGGGAAAGTAAAGTT[G>T]GATGAGAACTCCGAGAAGCATCTTGTTAAAGATTTGAAAGCACAGGGAACAAGAGACTCT-3'
Protein context (NP_057591.2, residues 473-493): KNSSDTGKVK[Leu483Phe]DENSEKHLVK

ClinVar aggregate classification (germline): Uncertain significance (1 of 4 stars; one submission).

gnomAD v4.1: 3 of 1,613,184 alleles (0.00019%); highest among the groups gnomAD compares: Non-Finnish European, 0.00025%; no homozygotes.

Submission:

Ambry Genetics
Classification: Uncertain significance. Last evaluated: 2025-01-20. Review status: criteria provided, single submitter. Criteria: Ambry Variant Classification Scheme 2023. Collection method: clinical testing. Allele origin: germline.
Comment: The p.L483F variant (also known as c.1449G>T), located in coding exon 2 of the CDK12 gene, results from a G to T substitution at nucleotide position 1449. The leucine at codon 483 is replaced by phenylalanine, an amino acid with highly similar properties. This amino acid position is conserved. In addition, this alteration is predicted to be tolerated by in silico analysis. Based on the available evidence, the clinical significance of this variant remains unclear.